The following is an entry in ClinVar:

ClinVar aggregate classification (germline): Uncertain significance (1 of 4 stars; one submission).

gnomAD v4.1: 2 of 1,614,156 alleles (0.00012%); highest among the groups gnomAD compares: Non-Finnish European, 0.00017%; no homozygotes.

Submission:

GeneDx
Classification: Uncertain significance. Last evaluated: 2025-05-08. Review status: criteria provided, single submitter. Criteria: GeneDx Variant Classification Process June 2021. Collection method: clinical testing. Allele origin: germline. Affected: yes.
Comment: Not observed at significant frequency in large population cohorts (gnomAD); In silico analysis supports that this missense variant has a deleterious effect on protein structure/function; Has not been previously published as pathogenic or benign to our knowledge

NM_001366145.2(TRPM3):c.3322T>C (p.Tyr1108His)

Gene: TRPM3 (transient receptor potential cation channel subfamily M member 3; minus strand). Cytogenetic location: 9q21.12.
Variant type: single nucleotide variant.
Coding change: c.3322T>C on transcript NM_001366145.2 (MANE Select); coding-DNA position 3322, T replaced by C.
Protein change: p.Tyr1108His; replaces tyrosine 1108 with histidine.
Molecular consequence: missense variant.
Genome position (GRCh38, 1-based): chr9:70,553,212, A>G on the plus strand (T>C on the coding strand, the complement: TRPM3 is on the minus strand). VCF-style: chr9-70553212-A-G. GRCh37 (hg19) VCF-style: chr9-73168128-A-G.
Other names: c.3328T>C, p.Tyr1110His (NM_001366142.2); c.3292T>C, p.Tyr1098His (NM_001366143.2, NM_001366149.2, NM_001366141.2); c.3322T>C, p.Tyr1108His (NM_001366146.2); c.3397T>C, p.Tyr1133His (NM_001366147.2, NM_001366152.2); c.3367T>C, p.Tyr1123His (NM_001366148.2); c.3256T>C, p.Tyr1086His (NM_001366150.2); c.3286T>C, p.Tyr1096His (NM_001366151.2, NM_001007471.4); c.2863T>C, p.Tyr955His (NM_001366154.2, NM_024971.7); and 5 more; short protein forms Y1086H, Y1096H, Y1098H, Y1108H, Y1110H, Y1123H, Y1133H, Y933H.
Identifiers: ClinVar variation 4528189 (VCV004528189.1).